The following is an entry in ClinVar:

ClinVar aggregate classification (germline): Uncertain significance (1 of 4 stars; one submission).

Conditions:
Chuvash polycythemia. Also called: POLYCYTHEMIA, VHL-DEPENDENT. Identifiers: Orphanet 238557, MedGen C1837915, MONDO:0009892, OMIM 263400.
Von Hippel-Lindau syndrome (VHLS). Also called: von Hippel–Lindau syndrome; VHL syndrome; Von Hippel-Lindau. Identifiers: Orphanet 892, MedGen C0019562, MONDO:0008667, OMIM 193300. Disease mechanism: loss of function.

Submission:

Labcorp Genetics (formerly Invitae), Labcorp
Classification: Uncertain significance for Von Hippel-Lindau syndrome; Chuvash polycythemia. Last evaluated: 2024-04-29. Review status: criteria provided, single submitter. Criteria: Invitae Variant Classification Sherloc (09022015). Collection method: clinical testing. Allele origin: germline.
Comment: This sequence change falls in intron 1 of the VHL gene. It is not expected to change the encoded amino acid sequence of the VHL protein. However, this sequence change falls within a cryptic exon in the VHL gene, known as exon E1’, which is naturally expressed at low levels in several human tissues (PMID: 29891534). This variant is not present in population databases (gnomAD no frequency). This variant has not been reported in the literature in individuals affected with VHL-related conditions. Algorithms developed to predict the effect of sequence changes on RNA splicing suggest that this variant is not likely to affect RNA splicing. In summary, the available evidence is currently insufficient to determine the role of this variant in disease. Therefore, it has been classified as a Variant of Uncertain Significance.

Literature cited by the submitters: PubMed 29891534.

NM_000551.4(VHL):c.340+799A>G

Genes: VHL (von Hippel-Lindau tumor suppressor; plus strand), LOC107303340 (3p25 von Hippel-Lindau tumor suppressor, E3 ubiquitin protein ligase Alu-mediated recombination region; plus strand). Cytogenetic location: 3p25.3.
Variant type: single nucleotide variant.
Coding change: c.340+799A>G on transcript NM_000551.4 (MANE Select); 799 bases into the intron after coding-DNA position 340, A replaced by G.
Molecular consequence: intron variant. On other transcripts: synonymous variant (1), non-coding transcript variant (1).
Genome position (GRCh38, 1-based): chr3:10,142,986, A>G. VCF-style: chr3-10142986-A-G. GRCh37 (hg19) VCF-style: chr3-10184670-A-G.
Other names: c.564A>G, p.Glu188= (NM_001354723.2); c.340+799A>G (NM_198156.3).
Identifiers: ClinVar variation 3761858 (VCV003761858.2).